The following is an entry in ClinVar:

NM_033305.3(VPS13A):c.7919_7920del (p.Gln2640fs)

Gene: VPS13A (vacuolar protein sorting 13 homolog A; plus strand). Cytogenetic location: 9q21.2.
Variant type: Deletion.
Coding change: c.7919_7920del on transcript NM_033305.3 (MANE Select); coding-DNA positions 7919 to 7920, 2 bases deleted (AA; older notation c.7919_7920delAA).
Protein change: p.Gln2640fs; shifts the reading frame from glutamine 2640.
Molecular consequence: frameshift variant.
Genome position (GRCh38, 1-based): chr9:77,357,804-77,357,805, AA deleted. VCF-style (leftmost placement, unchanged base first): chr9-77357803-CAA-C. GRCh37 (hg19) VCF-style: chr9-79972719-CAA-C.
Other names: c.7802_7803del, p.Gln2601fs (NM_001018037.2); c.7919_7920del, p.Gln2640fs (NM_001018038.3, NM_015186.4); short protein forms Q2601fs, Q2640fs.
Identifiers: ClinVar variation 5010660 (VCV005010660.1), dbSNP rs1831901144.

ClinVar aggregate classification (germline): Pathogenic (1 of 4 stars; one submission).

Conditions:
VPS13A-related neurodegenerative disease. Also called: LEVINE-CRITCHLEY SYNDROME; Choreoacanthocytosis; Chorea-acanthocytosis; ACANTHOCYTOSIS WITH NEUROLOGIC DISORDER; VPS13A Disease; Choreaacanthocytosis. Identifiers: Orphanet 2388, MedGen C0393576, MONDO:0008695, OMIM 200150.

Allele frequency attached by ClinVar (database versions not stated): gnomAD 0.00001.

Submission:

Myriad Genetics, Inc.
Classification: Pathogenic for VPS13A-related neurodegenerative disease. Last evaluated: 2023-09-08. Review status: criteria provided, single submitter. Criteria: Myriad Autosomal Dominant, Autosomal Recessive and X-Linked Classification Criteria (2023). Collection method: clinical testing. Allele origin: unknown.
Comment: NM_033305.2(VPS13A):c.7919_7920delAA(Q2640Lfs*4) is expected to be pathogenic in the context of VPS13A disease. This variant is predicted to lead to an abnormal or absent protein product due to the creation of a premature termination codon in VPS13A, a gene where loss-of-function variants are known to be pathogenic. Please note: this variant was assessed in the context of healthy population screening.